The following is an entry in ClinVar:

NM_147196.3(TMIE):c.212-3C>T

Gene: TMIE (transmembrane inner ear; plus strand). Cytogenetic location: 3p21.31.
Variant type: single nucleotide variant.
Coding change: c.212-3C>T on transcript NM_147196.3 (MANE Select); 3 bases into the intron before coding-DNA position 212, C replaced by T.
Molecular consequence: intron variant.
Genome position (GRCh38, 1-based): chr3:46,709,123, C>T. VCF-style: chr3-46709123-C-T. GRCh37 (hg19) VCF-style: chr3-46750613-C-T.
Other names: c.53-3C>T (NM_001370524.1, NM_001370525.1).
Identifiers: ClinVar variation 4693996 (VCV004693996.1).

ClinVar aggregate classification (germline): Uncertain significance (1 of 4 stars; one submission).

gnomAD v4.1: 8 of 1,614,106 alleles (0.0005%); highest among the groups gnomAD compares: Non-Finnish European, 0.00068%; no homozygotes.

Submission:

Labcorp Genetics (formerly Invitae), Labcorp
Classification: Uncertain significance. Last evaluated: 2025-03-25. Review status: criteria provided, single submitter. Criteria: Invitae Variant Classification Sherloc (09022015). Collection method: clinical testing. Allele origin: germline.
Comment: This sequence change falls in intron 2 of the TMIE gene. It does not directly change the encoded amino acid sequence of the TMIE protein. It affects a nucleotide within the consensus splice site. This variant is not present in population databases (gnomAD no frequency). This variant has not been reported in the literature in individuals affected with TMIE-related conditions. Variants that disrupt the consensus splice site are a relatively common cause of aberrant splicing (PMID: 17576681, 9536098). Algorithms developed to predict the effect of sequence changes on RNA splicing suggest that this variant is not likely to affect RNA splicing. In summary, the available evidence is currently insufficient to determine the role of this variant in disease. Therefore, it has been classified as a Variant of Uncertain Significance.

Literature cited by the submitters: PubMed 17576681; PubMed 9536098.